The following is an entry in ClinVar:

NM_002474.3(MYH11):c.4231A>C (p.Lys1411Gln)

Genes: MYH11 (myosin heavy chain 11; minus strand), NDE1 (nudE neurodevelopment protein 1; plus strand). Cytogenetic location: 16p13.11.
Variant type: single nucleotide variant.
Coding change: c.4231A>C on transcript NM_002474.3 (MANE Select); coding-DNA position 4231, A replaced by C.
Protein change: p.Lys1411Gln; replaces lysine 1411 with glutamine.
Molecular consequence: missense variant. On other transcripts: 3 prime UTR variant (2).
Genome position (GRCh38, 1-based): chr16:15,724,295, T>G on the plus strand (A>C on the coding strand, the complement: MYH11 is on the minus strand). VCF-style: chr16-15724295-T-G. GRCh37 (hg19) VCF-style: chr16-15818152-T-G.
Other names: c.4252A>C, p.Lys1418Gln (NM_001040113.2, NM_001040114.2); c.4231A>C, p.Lys1411Gln (NM_022844.3); c.*44T>G (NM_001143979.2, NM_017668.3); short protein forms K1411Q, K1418Q.
Identifiers: ClinVar variation 3073218 (VCV003073218.2), dbSNP rs2506141168, ClinGen allele CA394857299.
Genomic context (GRCh38, chr16:15,724,295, plus strand): 5'-CGTCCAGCTCCTGCTGAAGCCTGTTCTTGGTCTTTTCCAGTTTATCATAAGCGGCCGCCT[T>G]CTCCTCGTACTGCTGGGTGAGGTTCTCGATCTCCTTCTGGAACCTCTTCTTCCCCTCTTC-3'
Protein context (NP_002465.1, residues 1401-1421): IENLTQQYEE[Lys1411Gln]AAAYDKLEKT

ClinVar aggregate classification (germline): Uncertain significance. Review status: criteria provided, multiple submitters, no conflicts (2 of 4 stars). 2 submissions from 2 submitters: Uncertain significance (2). Last evaluated 2025-10-05.

Conditions:
Aortic aneurysm, familial thoracic 4 (AAT4). Also called: AORTIC ANEURYSM/AORTIC DISSECTION AND PATENT DUCTUS ARTERIOSUS. Identifiers: MedGen C1851504, MONDO:0007568, OMIM 132900.
Familial thoracic aortic aneurysm and aortic dissection (TAAD). Also called: Thoracic aortic aneurysms and dissections. Identifiers: Orphanet 91387, MedGen C4707243, MONDO:0019625.

Submissions (2):

Labcorp Genetics (formerly Invitae), Labcorp
Classification: Uncertain significance for Aortic aneurysm, familial thoracic 4. Last evaluated: 2025-10-05. Review status: criteria provided, single submitter. Criteria: Invitae Variant Classification Sherloc (09022015). Collection method: clinical testing. Allele origin: germline.
Comment: This sequence change replaces lysine, which is basic and polar, with glutamine, which is neutral and polar, at codon 1418 of the MYH11 protein (p.Lys1418Gln). This variant is not present in population databases (gnomAD no frequency). This variant has not been reported in the literature in individuals affected with MYH11-related conditions. ClinVar contains an entry for this variant (Variation ID: 3073218). Invitae Evidence Modeling of protein sequence and biophysical properties (such as structural, functional, and spatial information, amino acid conservation, physicochemical variation, residue mobility, and thermodynamic stability) indicates that this missense variant is not expected to disrupt MYH11 protein function with a negative predictive value of 95%. In summary, the available evidence is currently insufficient to determine the role of this variant in disease. Therefore, it has been classified as a Variant of Uncertain Significance.

All of Us Research Program, National Institutes of Health
Classification: Uncertain significance for Familial thoracic aortic aneurysm and aortic dissection. Last evaluated: 2023-08-28. Review status: criteria provided, single submitter. Criteria: ACMG Guidelines, 2015. Collection method: clinical testing. Allele origin: germline. Inheritance: Autosomal dominant inheritance. Observed: 1 variant allele, 1 heterozygote.
Comment: This missense variant replaces lysine with glutamine at codon 1418 of the MYH11 protein. Computational prediction is inconclusive regarding the impact of this variant on protein structure and function (internally defined REVEL score threshold 0.5 < inconclusive < 0.7, PMID: 27666373). To our knowledge, functional studies have not been reported for this variant. This variant has not been reported in individuals affected with MYH11-related disorders in the literature. This variant has not been identified in the general population by the Genome Aggregation Database (gnomAD). The available evidence is insufficient to determine the role of this variant in disease conclusively. Therefore, this variant is classified as a Variant of Uncertain Significance.

This study involves interpretation of variants in research participants for the purpose of population health screening. Participant phenotype was not available at the time of variant classification. Additional details can be found in publication PMID: 35346344, PMCID: PMC8962531